The following is an entry in ClinVar:

NM_001457.4(FLNB):c.7198+20C>G

Genes: FLNB (filamin B; plus strand), FLNB-AS1 (FLNB antisense RNA 1; minus strand). Cytogenetic location: 3p14.3.
Variant type: single nucleotide variant.
Coding change: c.7198+20C>G on transcript NM_001457.4 (MANE Select); 20 bases into the intron after coding-DNA position 7198, C replaced by G.
Molecular consequence: intron variant. On other transcripts: non-coding transcript variant (1).
Genome position (GRCh38, 1-based): chr3:58,163,350, C>G. VCF-style: chr3-58163350-C-G. GRCh37 (hg19) VCF-style: chr3-58149077-C-G.
Other names: c.7291+20C>G (NM_001164317.2); c.7165+20C>G (NM_001164318.2); c.7126+20C>G (NM_001164319.2).
Identifiers: ClinVar variation 513583 (VCV000513583.17), dbSNP rs201580886, ClinGen allele CA2469625.

ClinVar aggregate classification (germline): Benign/Likely benign. Review status: criteria provided, multiple submitters, no conflicts (2 of 4 stars). 5 submissions from 5 submitters: Benign (2); Likely benign (3). Last evaluated 2026-01-21.

Allele frequency attached by ClinVar (database versions not stated): gnomAD 0.00019; TOPMed 0.00025; 1000 Genomes Project 0.00060; 1000 Genomes Project 30x 0.00078.
gnomAD v4.1: 619 of 1,613,302 alleles (0.038%); highest among the groups gnomAD compares: South Asian, 0.36%; 3 homozygotes.

Submissions (5):

Labcorp Genetics (formerly Invitae), Labcorp
Classification: Benign. Last evaluated: 2026-01-21. Review status: criteria provided, single submitter. Criteria: Invitae Variant Classification Sherloc (09022015). Collection method: clinical testing. Allele origin: germline.

Blueprint Genetics
Classification: Likely benign. Last evaluated: 2024-11-21. Review status: criteria provided, single submitter. Criteria: ACMG Guidelines, 2015. Collection method: clinical testing. Allele origin: germline.

ARUP Laboratories, Molecular Genetics and Genomics, ARUP Laboratories
Classification: Benign. Last evaluated: 2019-01-24. Review status: criteria provided, single submitter. Criteria: ARUP Molecular Germline Variant Investigation Process. Collection method: clinical testing. Allele origin: germline.

GeneDx
Classification: Likely benign. Last evaluated: 2017-11-20. Review status: criteria provided, single submitter. Criteria: GeneDx Variant Classification (06012015). Collection method: clinical testing. Allele origin: germline. Affected: yes.
Comment: This variant is considered likely benign or benign based on one or more of the following criteria: it is a conservative change, it occurs at a poorly conserved position in the protein, it is predicted to be benign by multiple in silico algorithms, and/or has population frequency not consistent with disease.

Breakthrough Genomics
Classification: Likely benign. Review status: criteria provided, single submitter. Criteria: ACMG Guidelines, 2015. Collection method: not provided. Allele origin: germline. Inheritance: Autosomal recessive inheritance. Affected: yes.